The following is an entry in ClinVar:

ClinVar aggregate classification (germline): Benign/Likely benign. Review status: criteria provided, multiple submitters, no conflicts (2 of 4 stars). 4 submissions from 4 submitters: Benign (2); Likely benign (2). Last evaluated 2025-04-11.

Conditions:
CENPE-related disorder. Also called: CENPE-related condition.

Allele frequency attached by ClinVar (database versions not stated): ExAC 0.00363; gnomAD 0.01026 and 0.01082; ESP Exome Variant Server 0.01115; TOPMed 0.01177; 1000 Genomes Project 0.01338; 1000 Genomes Project 30x 0.01390.
gnomAD v4.1: 3,479 of 1,611,546 alleles (0.22%); highest among the groups gnomAD compares: African/African-American, 3.5%; 52 homozygotes.

Submissions (4):

PreventionGenetics, part of Exact Sciences
Classification: Benign for CENPE-related condition. Last evaluated: 2025-04-11. Review status: criteria provided, single submitter. Criteria: ACMG Guidelines, 2015. Collection method: clinical testing. Allele origin: germline.
Comment: This variant is classified as benign based on ACMG/AMP sequence variant interpretation guidelines (Richards et al. 2015 PMID: 25741868, with internal and published modifications).

GeneDx
Classification: Likely benign. Last evaluated: 2021-02-12. Review status: criteria provided, single submitter. Criteria: GeneDx Variant Classification Process June 2021. Collection method: clinical testing. Allele origin: germline. Affected: yes.

Labcorp Genetics (formerly Invitae), Labcorp
Classification: Benign. Last evaluated: 2019-12-31. Review status: criteria provided, single submitter. Criteria: Invitae Variant Classification Sherloc (09022015). Collection method: clinical testing. Allele origin: germline.

Breakthrough Genomics
Classification: Likely benign. Review status: criteria provided, single submitter. Criteria: ACMG Guidelines, 2015. Collection method: not provided. Allele origin: germline. Inheritance: Autosomal recessive inheritance. Affected: yes.

NM_001813.3(CENPE):c.876C>T (p.Leu292=)

Gene: CENPE (centromere protein E; minus strand). Cytogenetic location: 4q24.
Variant type: single nucleotide variant.
Coding change: c.876C>T on transcript NM_001813.3 (MANE Select); coding-DNA position 876, C replaced by T.
Protein change: p.Leu292=; no amino-acid change (leucine 292 retained).
Molecular consequence: synonymous variant.
Genome position (GRCh38, 1-based): chr4:103,182,849, G>A on the plus strand (C>T on the coding strand, the complement: CENPE is on the minus strand). VCF-style: chr4-103182849-G-A. GRCh37 (hg19) VCF-style: chr4-104104006-G-A.
Other names: c.876C>T, p.Leu292= (NM_001286734.2).
Identifiers: ClinVar variation 716820 (VCV000716820.8), dbSNP rs35224516, ClinGen allele CA3030648.